The following is an entry in ClinVar:

ClinVar aggregate classification (germline): Uncertain significance. Review status: criteria provided, multiple submitters, no conflicts (2 of 4 stars). 2 submissions from 2 submitters: Uncertain significance (2). Last evaluated 2026-02-13.

Conditions:
LMNA-related disorder. Also called: LMNA-related condition; LMNA-related disease; LMNA-related disorders. Identifiers: MedGen CN380145.

Allele frequency attached by ClinVar (database versions not stated): TOPMed 0.00002; gnomAD exomes 0.00003 and 0.00004; gnomAD 0.00004.

Submissions (2):

PreventionGenetics, part of Exact Sciences
Classification: Uncertain significance for LMNA-related condition. Last evaluated: 2026-02-13. Review status: criteria provided, single submitter. Criteria: ACMG Guidelines, 2015. Collection method: clinical testing. Allele origin: germline.
Comment: The LMNA c.1658_1659delAA variant is predicted to result in a frameshift and premature protein termination (p.Gln553Argfs*79). This variant corresponds to a post‑coding position in the MANE transcript for this gene (NM_170707:c.*666_*667delAA). This variant has been reported in a cohort study of individuals who underwent exome sequencing; however, no case‑level clinical information is available (Supplementary Table 28, Van Hout et al. 2020. PubMed ID: 33087929). This variant is reported in 0.0080% of alleles in individuals of European (Non-Finnish) descent in gnomAD. At this time, the clinical significance of this variant is uncertain due to the absence of conclusive functional and genetic evidence.

GeneDx
Classification: Uncertain significance. Last evaluated: 2025-10-13. Review status: criteria provided, single submitter. Criteria: GeneDx Variant Classification Process June 2021. Collection method: clinical testing. Allele origin: germline.
Comment: Reported using an alternate transcript of the gene; Reported in multiple individuals in the published literature; however, clinical information was not reported in this population study (Van Hout et al., 2020); Frameshift variant predicted to result in protein truncation as the last 22 amino acids are replaced with 78 different amino acids, and one loss-of-function variant has been reported downstream of this position in the protein; This variant is associated with the following publications: (PMID: 33087929, 39096151)

NM_170707.4(LMNA):c.*666_*667del

Gene: LMNA (lamin A/C; plus strand). Cytogenetic location: 1q22.
Variant type: Deletion.
Coding change: c.*666_*667del on transcript NM_170707.4 (MANE Select); 666 bases downstream of the stop codon through 667 bases downstream of the stop codon, 2 bases deleted (AA; older notation c.*666_*667delAA).
Molecular consequence: 3 prime UTR variant. On other transcripts: frameshift variant (1).
Genome position (GRCh38, 1-based): chr1:156,139,772-156,139,773, AA deleted. VCF-style (leftmost placement, unchanged base first): chr1-156139771-CAA-C. GRCh37 (hg19) VCF-style: chr1-156109562-CAA-C.
Other names: c.1658_1659del, p.Gln553fs (NM_001257374.3); c.*666_*667del (NM_001282626.2, NM_170708.4); c.1658_1659delAA (NM_001257374.2); short protein forms Q553fs.
Identifiers: ClinVar variation 1686690 (VCV001686690.4), dbSNP rs941656503, ClinGen allele CA31018217.